The following is an entry in ClinVar:

ClinVar aggregate classification (germline): Uncertain significance. Review status: criteria provided, multiple submitters, no conflicts (2 of 4 stars). 3 submissions from 3 submitters: Uncertain significance (3). Last evaluated 2025-10-26.

Conditions:
Hereditary cancer-predisposing syndrome. Also called: Neoplastic Syndromes, Hereditary; Tumor predisposition; Hereditary Cancer Syndrome; Hereditary neoplastic syndrome. Identifiers: Orphanet 140162, MedGen C0027672, MeSH D009386, MONDO:0015356.
Familial adenomatous polyposis 1 (FAP1). Also called: FAMILIAL ADENOMATOUS POLYPOSIS 1, ATTENUATED; POLYPOSIS, ADENOMATOUS INTESTINAL. Identifiers: MedGen C2713442, MONDO:0021056, OMIM 175100. Disease mechanism: loss of function.

Submissions (3):

Ambry Genetics
Classification: Uncertain significance for Hereditary cancer-predisposing syndrome. Last evaluated: 2025-10-26. Review status: criteria provided, single submitter. Criteria: Ambry Variant Classification Scheme 2023. Collection method: clinical testing. Allele origin: germline.
Comment: The p.I1975T variant (also known as c.5924T>C), located in coding exon 15 of the APC gene, results from a T to C substitution at nucleotide position 5924. The isoleucine at codon 1975 is replaced by threonine, an amino acid with similar properties. This amino acid position is conserved. In addition, in silico predictors for this gene do not accurately predict pathogenicity. Based on the available evidence, the clinical significance of this variant remains unclear.

Labcorp Genetics (formerly Invitae), Labcorp
Classification: Uncertain significance for Familial adenomatous polyposis 1. Last evaluated: 2024-10-31. Review status: criteria provided, single submitter. Criteria: Invitae Variant Classification Sherloc (09022015). Collection method: clinical testing. Allele origin: germline.
Comment: This sequence change replaces isoleucine, which is neutral and non-polar, with threonine, which is neutral and polar, at codon 1975 of the APC protein (p.Ile1975Thr). This variant is not present in population databases (gnomAD no frequency). This variant has not been reported in the literature in individuals affected with APC-related conditions. ClinVar contains an entry for this variant (Variation ID: 924470). Invitae Evidence Modeling of protein sequence and biophysical properties (such as structural, functional, and spatial information, amino acid conservation, physicochemical variation, residue mobility, and thermodynamic stability) indicates that this missense variant is not expected to disrupt APC protein function with a negative predictive value of 95%. In summary, the available evidence is currently insufficient to determine the role of this variant in disease. Therefore, it has been classified as a Variant of Uncertain Significance.

Color Diagnostics, LLC DBA Color Health
Classification: Uncertain significance for Hereditary cancer-predisposing syndrome. Last evaluated: 2023-12-04. Review status: criteria provided, single submitter. Criteria: ACMG Guidelines, 2015. Collection method: clinical testing. Allele origin: germline.
Comment: This missense variant replaces isoleucine with threonine at codon 1975 of the APC protein. Computational prediction suggests that this variant may not impact protein structure and function (internally defined REVEL score threshold <= 0.5, PMID: 27666373). To our knowledge, functional studies have not been reported for this variant. This variant has not been reported in individuals affected with APC-related disorders in the literature. This variant has not been identified in the general population by the Genome Aggregation Database (gnomAD). The available evidence is insufficient to determine the role of this variant in disease conclusively. Therefore, this variant is classified as a Variant of Uncertain Significance.

NM_000038.6(APC):c.5924T>C (p.Ile1975Thr)

Gene: APC (APC regulator of Wnt signaling pathway; plus strand). Cytogenetic location: 5q22.2.
Variant type: single nucleotide variant.
Coding change: c.5924T>C on transcript NM_000038.6 (MANE Select); coding-DNA position 5924, T replaced by C.
Protein change: p.Ile1975Thr; replaces isoleucine 1975 with threonine.
Molecular consequence: missense variant.
Genome position (GRCh38, 1-based): chr5:112,841,518, T>C. VCF-style: chr5-112841518-T-C. GRCh37 (hg19) VCF-style: chr5-112177215-T-C.
Other names: c.5924T>C, p.Ile1975Thr (NM_001127510.3, NM_001354895.2); c.5870T>C, p.Ile1957Thr (NM_001127511.3); c.5978T>C, p.Ile1993Thr (NM_001354896.2); c.5954T>C, p.Ile1985Thr (NM_001354897.2); c.5849T>C, p.Ile1950Thr (NM_001354898.2); c.5840T>C, p.Ile1947Thr (NM_001354899.2); c.5801T>C, p.Ile1934Thr (NM_001354900.2); c.5747T>C, p.Ile1916Thr (NM_001354901.2); and 5 more; short protein forms I1692T, I1815T, I1849T, I1884T, I1947T, I1874T, I1916T, I1934T.
Identifiers: ClinVar variation 924470 (VCV000924470.7), dbSNP rs751710222, ClinGen allele CA16034290.